The following is an entry in ClinVar:

NC_000007.14:g.107563973C>T

Genes: DUS4L-BCAP29 (DUS4L-BCAP29 readthrough; plus strand), DUS4L (dihydrouridine synthase 4 like; plus strand), COG5 (component of oligomeric golgi complex 5; minus strand). Cytogenetic location: 7q22.3.
Variant type: single nucleotide variant.
Molecular consequence: 5 prime UTR variant (on NM_181581.3). On other transcripts: non-coding transcript variant (7).
Genome position: GRCh38 VCF-style: chr7-107563973-C-T. GRCh37 (hg19) VCF-style: chr7-107204418-C-T.
Other names: c.-197C>T (NM_001270419.2); c.-347C>T (NM_181581.3, NM_001371364.2, NM_001371366.2); c.-385C>T (NM_001371365.2); c.-258C>T (NM_001371367.2).
Identifiers: ClinVar variation 1983438 (VCV001983438.4), dbSNP rs772868659, ClinGen allele CA368827135.

ClinVar aggregate classification (germline): Uncertain significance (1 of 4 stars; one submission).

Conditions:
COG5-congenital disorder of glycosylation. Also called: COG5-CDG; CDG IIi; CONGENITAL DISORDER OF GLYCOSYLATION, TYPE IIi. Identifiers: Orphanet 263487, MedGen C3150876, MONDO:0013325, OMIM 613612.

Allele frequency attached by ClinVar (database versions not stated): TOPMed 0.00001.
gnomAD v4.1: 2 of 1,283,066 alleles (0.00016%); highest among the groups gnomAD compares: African/African-American, 0.0015%; no homozygotes.

Submission:

Labcorp Genetics (formerly Invitae), Labcorp
Classification: Uncertain significance for COG5-congenital disorder of glycosylation. Last evaluated: 2022-07-03. Review status: criteria provided, single submitter. Criteria: Invitae Variant Classification Sherloc (09022015). Collection method: clinical testing. Allele origin: germline.
Comment: In summary, the available evidence is currently insufficient to determine the role of this variant in disease. Therefore, it has been classified as a Variant of Uncertain Significance. Algorithms developed to predict the effect of missense changes on protein structure and function output the following: SIFT: "Deleterious"; PolyPhen-2: "Probably Damaging"; Align-GVGD: "Class C0". The glutamic acid amino acid residue is found in multiple mammalian species, which suggests that this missense change does not adversely affect protein function. This variant has not been reported in the literature in individuals affected with COG5-related conditions. This variant is not present in population databases (gnomAD no frequency). This sequence change replaces glycine, which is neutral and non-polar, with glutamic acid, which is acidic and polar, at codon 6 of the COG5 protein (p.Gly6Glu).